The following is an entry in ClinVar:

NM_002335.4(LRP5):c.977G>A (p.Gly326Asp)

Gene: LRP5 (LDL receptor related protein 5; plus strand). Cytogenetic location: 11q13.2.
Variant type: single nucleotide variant.
Coding change: c.977G>A on transcript NM_002335.4 (MANE Select); coding-DNA position 977, G replaced by A.
Protein change: p.Gly326Asp; replaces glycine 326 with aspartic acid.
Molecular consequence: missense variant. On other transcripts: 5 prime UTR variant (1).
Genome position (GRCh38, 1-based): chr11:68,365,664, G>A. VCF-style: chr11-68365664-G-A. GRCh37 (hg19) VCF-style: chr11-68133132-G-A.
Other names: c.-789G>A (NM_001291902.2); short protein forms G326D.
Identifiers: ClinVar variation 2711827 (VCV002711827.3), dbSNP rs2496482664, ClinGen allele CA381611541.

ClinVar aggregate classification (germline): Uncertain significance (1 of 4 stars; one submission).

Submission:

Labcorp Genetics (formerly Invitae), Labcorp
Classification: Uncertain significance. Last evaluated: 2023-09-08. Review status: criteria provided, single submitter. Criteria: Invitae Variant Classification Sherloc (09022015). Collection method: clinical testing. Allele origin: germline.
Comment: This sequence change replaces glycine, which is neutral and non-polar, with aspartic acid, which is acidic and polar, at codon 326 of the LRP5 protein (p.Gly326Asp). This variant is not present in population databases (gnomAD no frequency). This variant has not been reported in the literature in individuals affected with LRP5-related conditions. Advanced modeling of protein sequence and biophysical properties (such as structural, functional, and spatial information, amino acid conservation, physicochemical variation, residue mobility, and thermodynamic stability) has been performed at Invitae for this missense variant, however the output from this modeling did not meet the statistical confidence thresholds required to predict the impact of this variant on LRP5 protein function. In summary, the available evidence is currently insufficient to determine the role of this variant in disease. Therefore, it has been classified as a Variant of Uncertain Significance.